The following is an entry in ClinVar:

ClinVar aggregate classification (germline): Uncertain significance. Review status: criteria provided, multiple submitters, no conflicts (2 of 4 stars). 2 submissions from 2 submitters: Uncertain significance (2). Last evaluated 2025-10-19.

Conditions:
RIMS1-related disorder. Also called: RIMS1-related condition.

Allele frequency attached by ClinVar (database versions not stated): ExAC 0.00002; gnomAD 0.00002 and 0.00003; gnomAD exomes 0.00003 and 0.00009; TOPMed 0.00004.
gnomAD v4.1: 144 of 1,612,540 alleles (0.0089%); highest among the groups gnomAD compares: Non-Finnish European, 0.011%; no homozygotes.

Submissions (2):

Labcorp Genetics (formerly Invitae), Labcorp
Classification: Uncertain significance. Last evaluated: 2025-10-19. Review status: criteria provided, single submitter. Criteria: Invitae Variant Classification Sherloc (09022015). Collection method: clinical testing. Allele origin: germline.
Comment: This sequence change replaces valine, which is neutral and non-polar, with alanine, which is neutral and non-polar, at codon 1001 of the RIMS1 protein (p.Val1001Ala). This variant is present in population databases (rs770258909, gnomAD 0.006%). This variant has not been reported in the literature in individuals affected with RIMS1-related conditions. ClinVar contains an entry for this variant (Variation ID: 1497658). An algorithm developed to predict the effect of missense changes on protein structure and function outputs the following: PolyPhen-2: "Benign". The alanine amino acid residue is found in multiple mammalian species, which suggests that this missense change does not adversely affect protein function. In summary, the available evidence is currently insufficient to determine the role of this variant in disease. Therefore, it has been classified as a Variant of Uncertain Significance.

Department of Pathology and Laboratory Medicine, Sinai Health System
Classification: Uncertain significance for RIMS1-related disorder. Last evaluated: 2022-01-18. Review status: criteria provided, single submitter. Criteria: ACMG Guidelines, 2015. Collection method: research. Allele origin: germline.

NM_014989.7(RIMS1):c.3002T>C (p.Val1001Ala)

Gene: RIMS1 (regulating synaptic membrane exocytosis 1; plus strand). Cytogenetic location: 6q13.
Variant type: single nucleotide variant.
Coding change: c.3002T>C on transcript NM_014989.7 (MANE Select); coding-DNA position 3002, T replaced by C.
Protein change: p.Val1001Ala; replaces valine 1001 with alanine.
Molecular consequence: missense variant.
Genome position (GRCh38, 1-based): chr6:72,259,060, T>C. VCF-style: chr6-72259060-T-C. GRCh37 (hg19) VCF-style: chr6-72968763-T-C.
Other names: c.1421T>C, p.Val474Ala (NM_001168407.2, NM_001350415.2, NM_001350418.2 and 19 more transcripts); c.1424T>C, p.Val475Ala (NM_001168408.2, NM_001350414.2, NM_001350416.2 and 15 more transcripts); c.1181T>C, p.Val394Ala (NM_001168409.2, NM_001350464.2, NM_001350465.2 and 3 more transcripts); c.1379T>C, p.Val460Ala (NM_001168410.2, NM_001350470.2, NM_001350473.2 and 1 more transcripts); c.1352T>C, p.Val451Ala (NM_001350421.2, NM_001350430.2, NM_001350437.2 and 2 more transcripts); c.1355T>C, p.Val452Ala (NM_001350424.2, NM_001350428.2, NM_001350459.2 and 1 more transcripts); c.3002T>C (NM_014989.6); c.1178T>C, p.Val393Ala (NM_001350461.2, NM_001350463.2, NM_001350468.2); and 1 more; short protein forms V394A, V452A, V459A, V460A, V474A, V475A, V1001A, V393A.
Identifiers: ClinVar variation 1497658 (VCV001497658.9), dbSNP rs770258909, ClinGen allele CA3886097.